The following is an entry in ClinVar:

ClinVar aggregate classification (germline): Uncertain significance. Review status: criteria provided, multiple submitters, no conflicts (2 of 4 stars). 2 submissions from 2 submitters: Uncertain significance (2). Last evaluated 2025-03-14.

Conditions:
Inborn genetic diseases. Identifiers: MedGen C0950123, MeSH D030342.

gnomAD v4.1: 3 of 1,613,424 alleles (0.00019%); highest among the groups gnomAD compares: African/African-American, 0.004%; no homozygotes.

Submissions (2):

Ambry Genetics
Classification: Uncertain significance for Inborn genetic diseases. Last evaluated: 2025-03-14. Review status: criteria provided, single submitter. Criteria: Ambry Variant Classification Scheme 2023. Collection method: clinical testing. Allele origin: germline.
Comment: The p.K1008E variant (also known as c.3022A>G), located in coding exon 1 of the SAMD9L gene, results from an A to G substitution at nucleotide position 3022. The lysine at codon 1008 is replaced by glutamic acid, an amino acid with similar properties. This amino acid position is conserved. In addition, this alteration is predicted to be tolerated by in silico analysis. Based on the available evidence, the clinical significance of this variant remains unclear.

GeneDx
Classification: Uncertain significance. Last evaluated: 2023-05-24. Review status: criteria provided, single submitter. Criteria: GeneDx Variant Classification Process June 2021. Collection method: clinical testing. Allele origin: germline. Affected: yes.
Comment: Not observed at significant frequency in large population cohorts (gnomAD); In silico analysis supports that this missense variant does not alter protein structure/function; Has not been previously published as pathogenic or benign to our knowledge; This variant is associated with the following publications: (PMID: 28545555)

NM_152703.5(SAMD9L):c.3022A>G (p.Lys1008Glu)

Gene: SAMD9L (sterile alpha motif domain containing 9 like; minus strand). Cytogenetic location: 7q21.2.
Variant type: single nucleotide variant.
Coding change: c.3022A>G on transcript NM_152703.5 (MANE Select); coding-DNA position 3022, A replaced by G.
Protein change: p.Lys1008Glu; replaces lysine 1008 with glutamic acid.
Molecular consequence: missense variant.
Genome position (GRCh38, 1-based): chr7:93,132,950, T>C on the plus strand (A>G on the coding strand, the complement: SAMD9L is on the minus strand). VCF-style: chr7-93132950-T-C. GRCh37 (hg19) VCF-style: chr7-92762263-T-C.
Other names: c.3022A>G, p.Lys1008Glu (NM_001303496.3, NM_001303497.3, NM_001303498.3 and 5 more transcripts); short protein forms K1008E.
Identifiers: ClinVar variation 3361990 (VCV003361990.2).